The following is an entry in ClinVar:

ClinVar aggregate classification (germline): Likely pathogenic (1 of 4 stars; one submission).

Submission:

Labcorp Genetics (formerly Invitae), Labcorp
Classification: Likely pathogenic. Last evaluated: 2021-04-02. Review status: criteria provided, single submitter. Criteria: Invitae Variant Classification Sherloc (09022015). Collection method: clinical testing. Allele origin: germline.
Comment: In summary, the currently available evidence indicates that the variant is pathogenic, but additional data are needed to prove that conclusively. Therefore, this variant has been classified as Likely Pathogenic. Experimental studies have shown that this variant affects PGK1 protein function (PMID: 26975778, 22348148). This variant has been observed in individual(s) with PGK1 deficiency (PMID: 8043870, 30887539). This variant is not present in population databases (ExAC no frequency). This sequence change replaces aspartic acid with asparagine at codon 315 of the PGK1 protein (p.Asp315Asn). The aspartic acid residue is highly conserved and there is a small physicochemical difference between aspartic acid and asparagine.

Literature cited by the submitters: PubMed 26975778; PubMed 22348148; PubMed 8043870; PubMed 30887539.

NM_000291.4(PGK1):c.943G>A (p.Asp315Asn)

Gene: PGK1 (phosphoglycerate kinase 1; plus strand). Cytogenetic location: Xq21.1.
Variant type: single nucleotide variant.
Coding change: c.943G>A on transcript NM_000291.4 (MANE Select); coding-DNA position 943, G replaced by A.
Protein change: p.Asp315Asn; replaces aspartic acid 315 with asparagine.
Molecular consequence: missense variant.
Genome position (GRCh38, 1-based): chrX:78,124,880, G>A. VCF-style: chrX-78124880-G-A. GRCh37 (hg19) VCF-style: chrX-77380377-G-A.
Other names: short protein forms D315N.
Identifiers: ClinVar variation 1506855 (VCV001506855.8), dbSNP rs2149136994, ClinGen allele CA413717223.